The following is an entry in ClinVar:

ClinVar aggregate classification (germline): Uncertain significance (1 of 4 stars; one submission).

Submission:

Labcorp Genetics (formerly Invitae), Labcorp
Classification: Uncertain significance. Last evaluated: 2025-04-28. Review status: criteria provided, single submitter. Criteria: Invitae Variant Classification Sherloc (09022015). Collection method: clinical testing. Allele origin: germline.
Comment: This sequence change replaces methionine, which is neutral and non-polar, with valine, which is neutral and non-polar, at codon 3329 of the LAMA5 protein (p.Met3329Val). This variant is not present in population databases (gnomAD no frequency). This variant has not been reported in the literature in individuals affected with LAMA5-related conditions. ClinVar contains an entry for this variant (Variation ID: 2869076). Invitae Evidence Modeling of protein sequence and biophysical properties (such as structural, functional, and spatial information, amino acid conservation, physicochemical variation, residue mobility, and thermodynamic stability) indicates that this missense variant is not expected to disrupt LAMA5 protein function with a negative predictive value of 80%. In summary, the available evidence is currently insufficient to determine the role of this variant in disease. Therefore, it has been classified as a Variant of Uncertain Significance.

NM_005560.6(LAMA5):c.9985A>G (p.Met3329Val)

Gene: LAMA5 (laminin subunit alpha 5; minus strand). Cytogenetic location: 20q13.33.
Variant type: single nucleotide variant.
Coding change: c.9985A>G on transcript NM_005560.6 (MANE Select); coding-DNA position 9985, A replaced by G.
Protein change: p.Met3329Val; replaces methionine 3329 with valine.
Molecular consequence: missense variant.
Genome position (GRCh38, 1-based): chr20:62,311,265, T>C on the plus strand (A>G on the coding strand, the complement: LAMA5 is on the minus strand). VCF-style: chr20-62311265-T-C. GRCh37 (hg19) VCF-style: chr20-60886321-T-C.
Other names: short protein forms M3329V.
Identifiers: ClinVar variation 2869076 (VCV002869076.3), dbSNP rs2516640828, ClinGen allele CA409538592.